The following is an entry in ClinVar:

NM_001127222.2(CACNA1A):c.6211G>A (p.Gly2071Ser)

Gene: CACNA1A (calcium voltage-gated channel subunit alpha1 A; minus strand). Cytogenetic location: 19p13.13.
Variant type: single nucleotide variant.
Coding change: c.6211G>A on transcript NM_001127222.2 (MANE Select); coding-DNA position 6211, G replaced by A.
Protein change: p.Gly2071Ser; replaces glycine 2071 with serine.
Molecular consequence: missense variant.
Genome position (GRCh38, 1-based): chr19:13,212,195, C>T on the plus strand (G>A on the coding strand, the complement: CACNA1A is on the minus strand). VCF-style: chr19-13212195-C-T. GRCh37 (hg19) VCF-style: chr19-13323009-C-T.
Other names: c.6229G>A, p.Gly2077Ser (NM_000068.4, NM_023035.3); c.6214G>A, p.Gly2072Ser (NM_001127221.2); c.6220G>A, p.Gly2074Ser (NM_001174080.2); c.6211G>A (NM_001127222.1); short protein forms G2072S, G2077S, G2071S, G2074S.
Identifiers: ClinVar variation 839437 (VCV000839437.33), dbSNP rs370514102, ClinGen allele CA9239430.

ClinVar aggregate classification (germline): Conflicting classifications of pathogenicity. Review status: criteria provided, conflicting classifications (1 of 4 stars). 4 submissions from 4 submitters: Uncertain significance (2); Likely benign (1). 1 of the submissions does not count toward it. Last evaluated 2024-06-12.

Conditions:
Developmental and epileptic encephalopathy, 42 (DEE42A). Also called: Epileptic encephalopathy, early infantile, 42; DEVELOPMENTAL AND EPILEPTIC ENCEPHALOPATHY 42A; EPILEPTIC ENCEPHALOPATHY, EARLY INFANTILE, 42A. Identifiers: MedGen C4310716, MONDO:0014917, OMIM 617106.
Episodic ataxia type 2 (EA2). Also called: ATAXIA, EPISODIC, WITH NYSTAGMUS; ATAXIA, FAMILIAL PAROXYSMAL; CEREBELLAR ATAXIA, PAROXYSMAL, ACETAZOLAMIDE-RESPONSIVE; CEREBELLOPATHY, HEREDITARY PAROXYSMAL; EPISODIC ATAXIA, NYSTAGMUS-ASSOCIATED; ACETAZOLAMIDE-RESPONSIVE HEREDITARY PAROXYSMAL CEREBELLAR ATAXIA. Identifiers: Orphanet 97, MedGen C1720416, MONDO:0007163, OMIM 108500.
CACNA1A-related disorder. Also called: CACNA1A-related condition.

Allele frequency attached by ClinVar (database versions not stated): ExAC 0.00001; gnomAD 0.00001; gnomAD exomes 0.00002; TOPMed 0.00002; ESP Exome Variant Server 0.00008.
gnomAD v4.1: 24 of 1,613,794 alleles (0.0015%); highest among the groups gnomAD compares: Non-Finnish European, 0.0019%; no homozygotes.

Submissions (4):

Women's Health and Genetics/Laboratory Corporation of America, LabCorp
Classification: Uncertain significance. Last evaluated: 2024-06-12. Review status: criteria provided, single submitter. Criteria: LabCorp Variant Classification Summary - May 2015. Collection method: clinical testing. Allele origin: germline.
Comment: Variant summary: CACNA1A c.6214G>A (p.Gly2072Ser) results in a non-conservative amino acid change in the encoded protein sequence. Three of five in-silico tools predict a benign effect of the variant on protein function. The variant allele was found at a frequency of 2e-05 in 248820 control chromosomes. The available data on variant occurrences in the general population are insufficient to allow any conclusion about variant significance. To our knowledge, no occurrence of c.6214G>A in individuals affected with Early Infantile Epileptic Encephalopathy 42 or other CACNA1A-related disorders and no experimental evidence demonstrating its impact on protein function have been reported. ClinVar contains an entry for this variant (Variation ID: 839437). Based on the evidence outlined above, the variant was classified as uncertain significance.

Labcorp Genetics (formerly Invitae), Labcorp
Classification: Uncertain significance for Developmental and epileptic encephalopathy, 42; Episodic ataxia type 2. Last evaluated: 2024-01-13. Review status: criteria provided, single submitter. Criteria: Invitae Variant Classification Sherloc (09022015). Collection method: clinical testing. Allele origin: germline.
Comment: This sequence change replaces glycine, which is neutral and non-polar, with serine, which is neutral and polar, at codon 2072 of the CACNA1A protein (p.Gly2072Ser). This variant is present in population databases (rs370514102, gnomAD 0.004%). This variant has not been reported in the literature in individuals affected with CACNA1A-related conditions. ClinVar contains an entry for this variant (Variation ID: 839437). Advanced modeling of protein sequence and biophysical properties (such as structural, functional, and spatial information, amino acid conservation, physicochemical variation, residue mobility, and thermodynamic stability) performed at Invitae indicates that this missense variant is not expected to disrupt CACNA1A protein function with a negative predictive value of 95%. In summary, the available evidence is currently insufficient to determine the role of this variant in disease. Therefore, it has been classified as a Variant of Uncertain Significance.

CeGaT Center for Human Genetics Tuebingen
Classification: Likely benign. Last evaluated: 2024-01-01. Review status: criteria provided, single submitter. Criteria: CeGaT Center For Human Genetics Tuebingen Variant Classification Criteria Version 2. Collection method: clinical testing. Allele origin: germline. Affected: yes. Observed: 1 variant allele.
Comment: CACNA1A: BP4

PreventionGenetics, part of Exact Sciences
Classification: Uncertain significance for CACNA1A-related condition. Last evaluated: 2024-03-18. Review status: no assertion criteria provided. Collection method: clinical testing. Allele origin: germline. Not counted in ClinVar's aggregate classification.
Comment: The CACNA1A c.6211G>A variant is predicted to result in the amino acid substitution p.Gly2071Ser. To our knowledge, this variant has not been reported in the literature. This variant is reported in 0.0044% of alleles in individuals of European (Non-Finnish) descent in gnomAD. At this time, the clinical significance of this variant is uncertain due to the absence of conclusive functional and genetic evidence.